The following is an entry in ClinVar:

ClinVar aggregate classification (germline): Uncertain significance (1 of 4 stars; one submission).

Conditions:
Werner syndrome (WRN). Identifiers: Orphanet 902, MedGen C0043119, MONDO:0010196, OMIM 277700.

Allele frequency attached by ClinVar (database versions not stated): gnomAD 0.00001.
gnomAD v4.1: 2 of 1,614,032 alleles (0.00012%); highest among the groups gnomAD compares: Admixed American, 0.0017%; no homozygotes.

Submission:

Labcorp Genetics (formerly Invitae), Labcorp
Classification: Uncertain significance for Werner syndrome. Last evaluated: 2023-08-28. Review status: criteria provided, single submitter. Criteria: Invitae Variant Classification Sherloc (09022015). Collection method: clinical testing. Allele origin: germline.
Comment: This sequence change replaces cysteine, which is neutral and slightly polar, with tryptophan, which is neutral and slightly polar, at codon 109 of the WRN protein (p.Cys109Trp). In summary, the available evidence is currently insufficient to determine the role of this variant in disease. Therefore, it has been classified as a Variant of Uncertain Significance. RNA analysis performed to evaluate the impact of this missense change on mRNA splicing indicates it does not significantly alter splicing (Invitae). An algorithm developed to predict the effect of missense changes on protein structure and function (PolyPhen-2) suggests that this variant is likely to be disruptive. ClinVar contains an entry for this variant (Variation ID: 577296). This variant has not been reported in the literature in individuals affected with WRN-related conditions. This variant is present in population databases (rs371538747, gnomAD 0.0009%).

NM_000553.6(WRN):c.327T>G (p.Cys109Trp)

Gene: WRN (WRN RecQ like helicase; plus strand). Cytogenetic location: 8p12.
Variant type: single nucleotide variant.
Coding change: c.327T>G on transcript NM_000553.6 (MANE Select); coding-DNA position 327, T replaced by G.
Protein change: p.Cys109Trp; replaces cysteine 109 with tryptophan.
Molecular consequence: missense variant.
Genome position (GRCh38, 1-based): chr8:31,064,406, T>G. VCF-style: chr8-31064406-T-G. GRCh37 (hg19) VCF-style: chr8-30921922-T-G.
Other names: short protein forms C109W.
Identifiers: ClinVar variation 577296 (VCV000577296.9), dbSNP rs371538747, ClinGen allele CA4704032.